The following is an entry in ClinVar:

NM_001017420.3(ESCO2):c.*96C>T

Gene: ESCO2 (establishment of sister chromatid cohesion N-acetyltransferase 2; plus strand). Cytogenetic location: 8p21.1.
Variant type: single nucleotide variant.
Coding change: c.*96C>T on transcript NM_001017420.3 (MANE Select); 96 bases downstream of the stop codon, C replaced by T.
Molecular consequence: 3 prime UTR variant.
Genome position (GRCh38, 1-based): chr8:27,803,534, C>T. VCF-style: chr8-27803534-C-T. GRCh37 (hg19) VCF-style: chr8-27661051-C-T.
Identifiers: ClinVar variation 910876 (VCV000910876.4), dbSNP rs118103454, ClinGen allele CA174274122.

ClinVar aggregate classification (germline): Likely benign (1 of 4 stars; one submission).

Conditions:
Roberts-SC phocomelia syndrome (RBS). Also called: LONG BONE DEFICIENCIES ASSOCIATED WITH CLEFT LIP-PALATE; Hypomelia hypotrichosis facial hemangioma syndrome; ESCO2 Spectrum Disorder; Pseudothalidomide syndrome; Appelt-Gerken-Lenz syndrome. Identifiers: Orphanet 3103, MedGen C0392475, MONDO:0100253, OMIM 268300.

Allele frequency attached by ClinVar (database versions not stated): gnomAD 0.00039 and 0.00061; gnomAD exomes 0.00045; TOPMed 0.00090; 1000 Genomes Project 30x 0.00281; 1000 Genomes Project 0.00319.
gnomAD v4.1: 694 of 1,463,812 alleles (0.047%); highest among the groups gnomAD compares: East Asian, 1.5%; 6 homozygotes.

Submission:

Illumina Laboratory Services, Illumina
Classification: Likely benign for Roberts-SC phocomelia syndrome. Last evaluated: 2018-01-12. Review status: criteria provided, single submitter. Criteria: ICSL Variant Classification Criteria 13 December 2019. Collection method: clinical testing. Allele origin: germline.
Comment: This variant was observed in the ICSL laboratory as part of a predisposition screen in an ostensibly healthy population. It had not been previously curated by ICSL or reported in the Human Gene Mutation Database (HGMD: prior to June 1st, 2018), and was therefore a candidate for classification through an automated scoring system. Utilizing variant allele frequency, disease prevalence and penetrance estimates, and inheritance mode, an automated score was calculated to assess if this variant is too frequent to cause the disease. Based on the score and internal cut-off values, a variant classified as likely benign is not then subjected to further curation. The score for this variant resulted in a classification of likely benign for this disease.